The following is an entry in ClinVar:

ClinVar aggregate classification (germline): Pathogenic/Likely pathogenic. Review status: criteria provided, multiple submitters, no conflicts (2 of 4 stars). 4 submissions from 4 submitters: Pathogenic (2); Likely pathogenic (1). 1 of the submissions does not count toward it. Last evaluated 2025-04-15.

Conditions:
PRPS1-related disorder. Also called: PRPS1-related condition.
Retinal dystrophy. Also called: Inherited retinal dystrophy. Identifiers: Orphanet 71862, MedGen C0854723, MeSH D058499, MONDO:0019118, HP:0000556.
Charcot-Marie-Tooth Neuropathy X. Identifiers: MedGen CN118851.

Submissions (4):

Labcorp Genetics (formerly Invitae), Labcorp
Classification: Pathogenic for Charcot-Marie-Tooth Neuropathy X. Last evaluated: 2025-04-15. Review status: criteria provided, single submitter. Criteria: Invitae Variant Classification Sherloc (09022015). Collection method: clinical testing. Allele origin: germline.
Comment: This sequence change replaces arginine, which is basic and polar, with tryptophan, which is neutral and slightly polar, at codon 196 of the PRPS1 protein (p.Arg196Trp). This variant is not present in population databases (gnomAD no frequency). This missense change has been observed in individuals with clinical features of PRPS1-related conditions (PMID: 24961627, 28967191, 32781272; internal data). It has also been observed to segregate with disease in related individuals. ClinVar contains an entry for this variant (Variation ID: 446162). Invitae Evidence Modeling of protein sequence and biophysical properties (such as structural, functional, and spatial information, amino acid conservation, physicochemical variation, residue mobility, and thermodynamic stability) indicates that this missense variant is expected to disrupt PRPS1 protein function with a positive predictive value of 80%. For these reasons, this variant has been classified as Pathogenic.

GeneDx
Classification: Likely pathogenic. Last evaluated: 2022-12-07. Review status: criteria provided, single submitter. Criteria: GeneDx Variant Classification Process June 2021. Collection method: clinical testing. Allele origin: germline. Affected: yes.
Comment: Not observed in large population cohorts (gnomAD); In silico analysis supports that this missense variant has a deleterious effect on protein structure/function; This variant is associated with the following publications: (PMID: 28967191, 24961627, 32650483, 32781272)

Blueprint Genetics
Classification: Pathogenic for PRPS1-related disorders. Last evaluated: 2022-08-22. Review status: criteria provided, single submitter. Criteria: ACMG Guidelines, 2015. Collection method: clinical testing. Allele origin: germline. Affected: yes. Observed: 5 variant alleles.

Hardcastle Lab, UCL Institute of Ophthalmology
Classification: Likely pathogenic for Retinal dystrophy. Last evaluated: 2017-01-01. Review status: no assertion criteria provided. Criteria: Submitter's publication. Collection method: research. Allele origin: germline. Affected: yes. Not counted in ClinVar's aggregate classification.

Literature cited by the submitters: PubMed 24961627 (cited by Labcorp Genetics (formerly Invitae), Labcorp); PubMed 28967191 (cited by Labcorp Genetics (formerly Invitae), Labcorp); PubMed 32781272 (cited by Labcorp Genetics (formerly Invitae), Labcorp).

NM_002764.4(PRPS1):c.586C>T (p.Arg196Trp)

Gene: PRPS1 (phosphoribosyl pyrophosphate synthetase 1; plus strand). Cytogenetic location: Xq22.3.
Variant type: single nucleotide variant.
Coding change: c.586C>T on transcript NM_002764.4 (MANE Select); coding-DNA position 586, C replaced by T.
Protein change: p.Arg196Trp; replaces arginine 196 with tryptophan.
Molecular consequence: missense variant. On other transcripts: 5 prime UTR variant (1).
Genome position (GRCh38, 1-based): chrX:107,645,232, C>T. VCF-style: chrX-107645232-C-T. GRCh37 (hg19) VCF-style: chrX-106888462-C-T.
Other names: c.-27C>T (NM_001204402.2); short protein forms R196W.
Identifiers: ClinVar variation 446162 (VCV000446162.11), dbSNP rs1556300610, ClinGen allele CA413811807.